The following is an entry in ClinVar:

NM_001164665.2(KIAA1549):c.5389A>G (p.Arg1797Gly)

Gene: KIAA1549 (KIAA1549; minus strand). Cytogenetic location: 7q34.
Variant type: single nucleotide variant.
Coding change: c.5389A>G on transcript NM_001164665.2 (MANE Select); coding-DNA position 5389, A replaced by G.
Protein change: p.Arg1797Gly; replaces arginine 1797 with glycine.
Molecular consequence: missense variant.
Genome position (GRCh38, 1-based): chr7:138,844,380, T>C on the plus strand (A>G on the coding strand, the complement: KIAA1549 is on the minus strand). VCF-style: chr7-138844380-T-C. GRCh37 (hg19) VCF-style: chr7-138529125-T-C.
Other names: c.5389A>G, p.Arg1797Gly (NM_020910.3); short protein forms R1797G.
Identifiers: ClinVar variation 4704342 (VCV004704342.1).

ClinVar aggregate classification (germline): Uncertain significance (1 of 4 stars; one submission).

gnomAD v4.1: 3 of 1,612,110 alleles (0.00019%); highest among the groups gnomAD compares: Non-Finnish European, 0.00025%; no homozygotes.

Submission:

Labcorp Genetics (formerly Invitae), Labcorp
Classification: Uncertain significance. Last evaluated: 2025-06-10. Review status: criteria provided, single submitter. Criteria: Invitae Variant Classification Sherloc (09022015). Collection method: clinical testing. Allele origin: germline.
Comment: This sequence change replaces arginine, which is basic and polar, with glycine, which is neutral and non-polar, at codon 1797 of the KIAA1549 protein (p.Arg1797Gly). This variant is present in population databases (no rsID available, gnomAD 0.007%). This variant has not been reported in the literature in individuals affected with KIAA1549-related conditions. An algorithm developed to predict the effect of missense changes on protein structure and function (PolyPhen-2) suggests that this variant is likely to be disruptive. In summary, the available evidence is currently insufficient to determine the role of this variant in disease. Therefore, it has been classified as a Variant of Uncertain Significance.